The following is an entry in ClinVar:

NM_001844.5(COL2A1):c.2165C>T (p.Pro722Leu)

Gene: COL2A1 (collagen type II alpha 1 chain; minus strand). Cytogenetic location: 12q13.11.
Variant type: single nucleotide variant.
Coding change: c.2165C>T on transcript NM_001844.5 (MANE Select); coding-DNA position 2165, C replaced by T.
Protein change: p.Pro722Leu; replaces proline 722 with leucine.
Molecular consequence: missense variant.
Genome position (GRCh38, 1-based): chr12:47,982,876, G>A on the plus strand (C>T on the coding strand, the complement: COL2A1 is on the minus strand). VCF-style: chr12-47982876-G-A. GRCh37 (hg19) VCF-style: chr12-48376659-G-A.
Other names: c.1958C>T, p.Pro653Leu (NM_033150.3); short protein forms P653L, P722L.
Identifiers: ClinVar variation 2761921 (VCV002761921.3), dbSNP rs1939173724, ClinGen allele CA384546939.

ClinVar aggregate classification (germline): Uncertain significance (1 of 4 stars; one submission).

Allele frequency attached by ClinVar (database versions not stated): gnomAD exomes below 0.00001.
gnomAD v4.1: 1 of 1,612,618 alleles (0.000062%); highest among the groups gnomAD compares: Non-Finnish European, 0.000085%; no homozygotes.

Submission:

Labcorp Genetics (formerly Invitae), Labcorp
Classification: Uncertain significance. Last evaluated: 2023-11-27. Review status: criteria provided, single submitter. Criteria: Invitae Variant Classification Sherloc (09022015). Collection method: clinical testing. Allele origin: germline.
Comment: This sequence change replaces proline, which is neutral and non-polar, with leucine, which is neutral and non-polar, at codon 722 of the COL2A1 protein (p.Pro722Leu). This variant is not present in population databases (gnomAD no frequency). This variant has not been reported in the literature in individuals affected with COL2A1-related conditions. Advanced modeling of protein sequence and biophysical properties (such as structural, functional, and spatial information, amino acid conservation, physicochemical variation, residue mobility, and thermodynamic stability) performed at Invitae indicates that this missense variant is not expected to disrupt COL2A1 protein function with a negative predictive value of 95%. In summary, the available evidence is currently insufficient to determine the role of this variant in disease. Therefore, it has been classified as a Variant of Uncertain Significance.